The following is an entry in ClinVar:

ClinVar aggregate classification (germline): Uncertain significance (1 of 4 stars; one submission).

Conditions:
Cardiovascular phenotype. Identifiers: MedGen CN230736.

Submission:

Ambry Genetics
Classification: Uncertain significance for Cardiovascular phenotype. Last evaluated: 2024-07-06. Review status: criteria provided, single submitter. Criteria: Ambry Variant Classification Scheme 2023. Collection method: clinical testing. Allele origin: germline.
Comment: The p.V181L variant (also known as c.541G>T), located in coding exon 3 of the APOA5 gene, results from a G to T substitution at nucleotide position 541. The valine at codon 181 is replaced by leucine, an amino acid with highly similar properties. This amino acid position is conserved. In addition, this alteration is predicted to be tolerated by in silico analysis. Based on the available evidence, the clinical significance of this variant remains unclear.

NM_001371904.1(APOA5):c.541G>T (p.Val181Leu)

Gene: APOA5 (apolipoprotein A5; minus strand). Cytogenetic location: 11q23.3.
Variant type: single nucleotide variant.
Coding change: c.541G>T on transcript NM_001371904.1 (MANE Select); coding-DNA position 541, G replaced by T.
Protein change: p.Val181Leu; replaces valine 181 with leucine.
Molecular consequence: missense variant.
Genome position (GRCh38, 1-based): chr11:116,790,688, C>A on the plus strand (G>T on the coding strand, the complement: APOA5 is on the minus strand). VCF-style: chr11-116790688-C-A. GRCh37 (hg19) VCF-style: chr11-116661404-C-A.
Other names: c.541G>T, p.Val181Leu (NM_001166598.2, NM_052968.5); short protein forms V181L.
Identifiers: ClinVar variation 3414360 (VCV003414360.1).